The following is an entry in ClinVar:

NM_004287.5(GOSR2):c.204-22TC[6]

Genes: GOSR2 (golgi SNAP receptor complex member 2; plus strand), LRRC37A2 (leucine rich repeat containing 37 member A2), LOC126862578 (BRD4-independent group 4 enhancer GRCh37_chr17:45008344-45009543; plus strand). Cytogenetic location: 17q21.32.
Variant type: Microsatellite.
Coding change: c.204-22TC[6] on transcript NM_004287.5 (MANE Select); six copies in a row of the 2-base unit TC starting at c.204-22; the reference has five copies in a row; one copy, 2 bases duplicated.
Molecular consequence: intron variant.
Genome position (GRCh38, 1-based): chr17:46,932,053-46,932,054, TC duplicated; duplicating any 2 consecutive bases within chr17:46,932,045-46,932,054 gives the same sequence; the position shown is the placement nearest the transcript's 3' end. VCF-style (leftmost placement, unchanged base first): chr17-46932044-A-ATC. GRCh37 (hg19) VCF-style: chr17-45009410-A-ATC.
Other names: c.204-22TC[6] (NM_001321133.2, NM_054022.4, NM_001330252.2 and 1 more transcripts); c.150-22TC[6] (NM_001363851.2, NM_001321134.2); c.201-22TC[6] (NM_001353114.2, NM_001353115.2, NM_001353116.2).
Identifiers: ClinVar variation 3252675 (VCV003252675.1), dbSNP rs1299045620.
Genomic context (GRCh38, chr17:46,932,044, plus strand): 5'-CTTTCCTCAGTACAAAGCCTGGCCCCCTCAGATTCTGCTGCCCTGAGTTCCTGGAATTTA[A>ATC]TCTCTCTCTCCATCAATTCCAGTCGGGTTGACCAGTTAAAGTATGATGTCCAGCACCTGC-3'

ClinVar aggregate classification (germline): Uncertain significance (1 of 4 stars; one submission).

Submission:

GeneDx
Classification: Uncertain significance. Last evaluated: 2023-10-04. Review status: criteria provided, single submitter. Criteria: GeneDx Variant Classification Process June 2021. Collection method: clinical testing. Allele origin: germline. Affected: yes.
Comment: Not observed at significant frequency in large population cohorts (gnomAD); In silico analysis supports that this variant does not alter splicing; Has not been previously published as pathogenic or benign to our knowledge